The following is an entry in ClinVar:

NM_020774.4(MIB1):c.1501_1502dup (p.His502fs)

Gene: MIB1 (MIB E3 ubiquitin protein ligase 1; plus strand). Cytogenetic location: 18q11.2.
Variant type: Duplication.
Coding change: c.1501_1502dup on transcript NM_020774.4 (MANE Select); coding-DNA positions 1501 to 1502, 2 bases duplicated (GT; older notation c.1501_1502dupGT).
Protein change: p.His502fs; shifts the reading frame from histidine 502.
Molecular consequence: frameshift variant.
Genome position (GRCh38, 1-based): chr18:21,815,637-21,815,638, GT duplicated. VCF-style (leftmost placement, unchanged base first): chr18-21815636-A-AGT. GRCh37 (hg19) VCF-style: chr18-19395597-A-AGT.
Other names: short protein forms H502fs.
Identifiers: ClinVar variation 3365897 (VCV003365897.1).

ClinVar aggregate classification (germline): Uncertain significance (1 of 4 stars; one submission).

Submission:

GeneDx
Classification: Uncertain significance. Last evaluated: 2023-12-26. Review status: criteria provided, single submitter. Criteria: GeneDx Variant Classification Process June 2021. Collection method: clinical testing. Allele origin: germline. Affected: yes.
Comment: Not observed at significant frequency in large population cohorts (gnomAD); Frameshift variant predicted to result in protein truncation or nonsense mediated decay in a gene or region of a gene for which loss of function is not a well-established mechanism of disease; Has not been previously published as pathogenic or benign to our knowledge